The following is an entry in ClinVar:

ClinVar aggregate classification (germline): Benign/Likely benign. Review status: criteria provided, multiple submitters, no conflicts (2 of 4 stars). 3 submissions from 3 submitters: Benign (1); Likely benign (2). Last evaluated 2022-11-01.

Allele frequency attached by ClinVar (database versions not stated): 1000 Genomes Project 30x 0.00390; 1000 Genomes Project 0.00419; ESP Exome Variant Server 0.00600; TOPMed 0.00608; gnomAD exomes 0.00673 and 0.00772; ExAC 0.00682; gnomAD 0.00765 and 0.00793.
gnomAD v4.1: 12,365 of 1,614,080 alleles (0.77%); highest among the groups gnomAD compares: Non-Finnish European, 0.8%; 72 homozygotes.

Submissions (3):

CeGaT Center for Human Genetics Tuebingen
Classification: Likely benign. Last evaluated: 2022-11-01. Review status: criteria provided, single submitter. Criteria: CeGaT Center For Human Genetics Tuebingen Variant Classification Criteria Version 2. Collection method: clinical testing. Allele origin: germline. Affected: yes. Observed: 1 variant allele.
Comment: NLRP8: BP4, BS2

Centre for Mendelian Genomics, University Medical Centre Ljubljana
Classification: Benign. Last evaluated: 2018-10-26. Review status: criteria provided, single submitter. Criteria: ACMG Guidelines, 2015. Collection method: clinical testing. Allele origin: unknown. Affected: yes.
Comment: This variant was classified as: Benign. The following ACMG criteria were applied in classifying this variant: BS1,BS2.

Breakthrough Genomics
Classification: Likely benign. Review status: criteria provided, single submitter. Criteria: ACMG Guidelines, 2015. Collection method: not provided. Allele origin: germline. Inheritance: Unknown mechanism. Affected: yes.

NM_001433706.1(NLRP8):c.142G>A (p.Val48Met)

Gene: NLRP8 (NLR family pyrin domain containing 8; plus strand). Cytogenetic location: 19q13.43.
Variant type: single nucleotide variant.
Coding change: c.142G>A on transcript NM_001433706.1 (MANE Select); coding-DNA position 142, G replaced by A.
Protein change: p.Val48Met; replaces valine 48 with methionine.
Molecular consequence: missense variant.
Genome position (GRCh38, 1-based): chr19:55,948,044, G>A. VCF-style: chr19-55948044-G-A. GRCh37 (hg19) VCF-style: chr19-56459410-G-A.
Other names: NM_176811.2:c.142G>A; c.142G>A, p.Val48Met (NM_001317000.1); short protein forms V48M.
Identifiers: ClinVar variation 931744 (VCV000931744.28), dbSNP rs61738689, ClinGen allele CA9684165.